The following is an entry in ClinVar:

NM_032242.4(PLXNA1):c.3516+4G>C

Gene: PLXNA1 (plexin A1; plus strand). Cytogenetic location: 3q21.3.
Variant type: single nucleotide variant.
Coding change: c.3516+4G>C on transcript NM_032242.4 (MANE Select); 4 bases into the intron after coding-DNA position 3516, G replaced by C.
Molecular consequence: intron variant.
Genome position (GRCh38, 1-based): chr3:127,017,668, G>C. VCF-style: chr3-127017668-G-C. GRCh37 (hg19) VCF-style: chr3-126736511-G-C.
Identifiers: ClinVar variation 3031225 (VCV003031225.2), dbSNP rs773110059, ClinGen allele CA2594039.
Genomic context (GRCh38, chr3:127,017,668, plus strand): 5'-CCACTCAGCCCCACTGGCCTGCTGGAGCTGAAGCCCAGCTCCCCACTCATCCTCAAGGTG[G>C]GTCACCATTGCCCGTAGGCTGGGCCAAGCCAGGGAAGAGGCCCCTCGTCCTGGGCTCTGG-3'

ClinVar aggregate classification (germline): Likely benign (0 of 4 stars; one submission).

Conditions:
PLXNA1-related disorder. Also called: PLXNA1-related condition.

Allele frequency attached by ClinVar (database versions not stated): gnomAD exomes 0.00001; ExAC 0.00002; gnomAD 0.00002; TOPMed 0.00003.
gnomAD v4.1: 15 of 1,613,142 alleles (0.00093%); highest among the groups gnomAD compares: African/African-American, 0.0067%; no homozygotes.

Submission:

PreventionGenetics, part of Exact Sciences
Classification: Likely benign for PLXNA1-related condition. Last evaluated: 2022-05-18. Review status: no assertion criteria provided. Collection method: clinical testing. Allele origin: germline.
Comment: This variant is classified as likely benign based on ACMG/AMP sequence variant interpretation guidelines (Richards et al. 2015 PMID: 25741868, with internal and published modifications).